The following is an entry in ClinVar:

NM_020754.4(ARHGAP31):c.499G>A (p.Ala167Thr)

Gene: ARHGAP31 (Rho GTPase activating protein 31; plus strand). Cytogenetic location: 3q13.33.
Variant type: single nucleotide variant.
Coding change: c.499G>A on transcript NM_020754.4 (MANE Select); coding-DNA position 499, G replaced by A.
Protein change: p.Ala167Thr; replaces alanine 167 with threonine.
Molecular consequence: missense variant.
Genome position (GRCh38, 1-based): chr3:119,382,359, G>A. VCF-style: chr3-119382359-G-A. GRCh37 (hg19) VCF-style: chr3-119101206-G-A.
Other names: short protein forms A167T.
Identifiers: ClinVar variation 283593 (VCV000283593.19), dbSNP rs139733647, ClinGen allele CA2553601.

ClinVar aggregate classification (germline): Conflicting classifications of pathogenicity. Review status: criteria provided, conflicting classifications (1 of 4 stars). 6 submissions from 6 submitters: Uncertain significance (1); Likely benign (5). Last evaluated 2025-11-18.

Conditions:
ARHGAP31-related disorder. Also called: ARHGAP31-related condition.
Inborn genetic diseases. Identifiers: MedGen C0950123, MeSH D030342.

Allele frequency attached by ClinVar (database versions not stated): gnomAD exomes 0.00012; ExAC 0.00016; ESP Exome Variant Server 0.00033; TOPMed 0.00058; 1000 Genomes Project 0.00060; 1000 Genomes Project 30x 0.00062.
gnomAD v4.1: 189 of 1,614,108 alleles (0.012%); highest among the groups gnomAD compares: African/African-American, 0.16%; no homozygotes.

Submissions (6):

PreventionGenetics, part of Exact Sciences
Classification: Likely benign for ARHGAP31-related condition. Last evaluated: 2025-11-18. Review status: criteria provided, single submitter. Criteria: ACMG Guidelines, 2015. Collection method: clinical testing. Allele origin: germline.
Comment: This variant is classified as likely benign based on ACMG/AMP sequence variant interpretation guidelines (Richards et al. 2015 PMID: 25741868, with internal and published modifications).

Labcorp Genetics (formerly Invitae), Labcorp
Classification: Likely benign. Last evaluated: 2025-10-03. Review status: criteria provided, single submitter. Criteria: Invitae Variant Classification Sherloc (09022015). Collection method: clinical testing. Allele origin: germline.

Blueprint Genetics
Classification: Likely benign. Last evaluated: 2024-07-02. Review status: criteria provided, single submitter. Criteria: ACMG Guidelines, 2015. Collection method: clinical testing. Allele origin: germline.

Ambry Genetics
Classification: Likely benign for Inborn genetic diseases. Last evaluated: 2022-08-17. Review status: criteria provided, single submitter. Criteria: Ambry Variant Classification Scheme 2023. Collection method: clinical testing. Allele origin: germline.

GeneDx
Classification: Likely benign. Last evaluated: 2019-09-17. Review status: criteria provided, single submitter. Criteria: GeneDx Variant Classification Process June 2021. Collection method: clinical testing. Allele origin: germline. Affected: yes.
Comment: In silico analysis, which includes protein predictors and evolutionary conservation, supports that this variant does not alter protein structure/function; Has not been previously published as pathogenic or benign to our knowledge

Eurofins Ntd Llc (ga)
Classification: Uncertain significance. Last evaluated: 2015-10-08. Review status: criteria provided, single submitter. Criteria: EGL Classification Definitions 2015. Collection method: clinical testing. Allele origin: germline. Observed: 1 variant allele, 1 heterozygote.